The following is an entry in ClinVar:

NM_138694.4(PKHD1):c.10455A>G (p.Leu3485=)

Gene: PKHD1 (PKHD1 ciliary IPT domain containing fibrocystin/polyductin; minus strand). Cytogenetic location: 6p12.3.
Variant type: single nucleotide variant.
Coding change: c.10455A>G on transcript NM_138694.4 (MANE Select); coding-DNA position 10455, A replaced by G.
Protein change: p.Leu3485=; no amino-acid change (leucine 3485 retained).
Molecular consequence: synonymous variant.
Genome position (GRCh38, 1-based): chr6:51,659,671, T>C on the plus strand (A>G on the coding strand, the complement: PKHD1 is on the minus strand). VCF-style: chr6-51659671-T-C. GRCh37 (hg19) VCF-style: chr6-51524469-T-C.
Other names: c.10455A>G (NM_138694.3).
Identifiers: ClinVar variation 2905960 (VCV002905960.4), dbSNP rs1412400979, ClinGen allele CA450613244.

ClinVar aggregate classification (germline): Likely benign. Review status: criteria provided, multiple submitters, no conflicts (2 of 4 stars). 2 submissions from 2 submitters: Likely benign (2). Last evaluated 2024-11-13.

Conditions:
Autosomal recessive polycystic kidney disease (ARPKD). Also called: AR polycystic kidney disease. Identifiers: Orphanet 731, Orphanet 8378, MedGen C0085548, MeSH D017044, MONDO:0009889.
PKHD1-related disorder. Also called: PKHD1-related condition.

Allele frequency attached by ClinVar (database versions not stated): gnomAD exomes below 0.00001; TOPMed below 0.00001.
gnomAD v4.1: 2 of 1,613,702 alleles (0.00012%); highest among the groups gnomAD compares: South Asian, 0.0011%; no homozygotes.

Submissions (2):

PreventionGenetics, part of Exact Sciences
Classification: Likely benign for PKHD1-related condition. Last evaluated: 2024-11-13. Review status: criteria provided, single submitter. Criteria: ACMG Guidelines, 2015. Collection method: clinical testing. Allele origin: germline.
Comment: This variant is classified as likely benign based on ACMG/AMP sequence variant interpretation guidelines (Richards et al. 2015 PMID: 25741868, with internal and published modifications).

Labcorp Genetics (formerly Invitae), Labcorp
Classification: Likely benign for Autosomal recessive polycystic kidney disease. Last evaluated: 2023-01-18. Review status: criteria provided, single submitter. Criteria: Invitae Variant Classification Sherloc (09022015). Collection method: clinical testing. Allele origin: germline.